The following is an entry in ClinVar:

NM_000360.4(TH):c.1334+1G>A

Gene: TH (tyrosine hydroxylase; minus strand). Cytogenetic location: 11p15.5.
Variant type: single nucleotide variant.
Coding change: c.1334+1G>A on transcript NM_000360.4 (MANE Select); the canonical splice donor site of the intron after coding-DNA position 1334, G replaced by A.
Molecular consequence: splice donor variant.
Genome position (GRCh38, 1-based): chr11:2,165,231, C>T on the plus strand (G>A on the coding strand, the complement: TH is on the minus strand). VCF-style: chr11-2165231-C-T. GRCh37 (hg19) VCF-style: chr11-2186461-C-T.
Other names: c.1415+1G>A (NM_199293.3); c.1427+1G>A (NM_199292.3).
Identifiers: ClinVar variation 3240605 (VCV003240605.2), dbSNP rs781411638.
Genomic context (GRCh38, chr11:2,165,231, plus strand): 5'-AAGGCCTGGCTGGCCCAGTTTGGGGGCACCATGGGGGGCTTGCCCTAGCAGCCTAGCCCA[C>T]CTGAGCTTGTCCTTGGCGTCACTGAAGCTCTCAGACACGAAGTAGACTGACTGGTACGTC-3'

ClinVar aggregate classification (germline): Likely pathogenic. Review status: criteria provided, multiple submitters, no conflicts (2 of 4 stars). 2 submissions from 2 submitters: Likely pathogenic (2). Last evaluated 2025-08-27.

Conditions:
TH-deficient dopa-responsive dystonia. Also called: DYT-TH; Tyrosine Hydroxylase-Deficient Dopa-Responsive Dystonia; Segawa syndrome, autosomal recessive. Identifiers: Orphanet 101150, MedGen C2673535, MONDO:0011551, OMIM 605407.

Allele frequency attached by ClinVar (database versions not stated): gnomAD exomes below 0.00001; ExAC 0.00001; TOPMed 0.00001.
gnomAD v4.1: 2 of 1,612,832 alleles (0.00012%); highest among the groups gnomAD compares: Non-Finnish European, 0.00017%; no homozygotes.

Submissions (2):

Natera, Inc.
Classification: Likely pathogenic for Autosomal recessive Segawa syndrome. Last evaluated: 2025-08-27. Review status: criteria provided, single submitter. Criteria: Natera Variant Classification Schema (03/2026). Collection method: clinical testing. Allele origin: germline.
Comment: The c.1427+1G>A variant in TH is a canonical splice donor site variant predicted to affect pre-mRNA splicing, which may result in an abnormal transcript and altered protein product. This variant is expected to result in nonsense mediated decay, truncation, or a dysfunctional protein product. This variant is rare in the general population with a frequency below the threshold expected for the associated phenotype(s). Given the available evidence, this variant is classified as Likely Pathogenic.

Baylor Genetics
Classification: Likely pathogenic for TH-deficient dopa-responsive dystonia. Last evaluated: 2024-03-24. Review status: criteria provided, single submitter. Criteria: ACMG Guidelines, 2015. Collection method: clinical testing. Allele origin: unknown.